The following is an entry in ClinVar:

NM_006940.6(SOX5):c.1433A>T (p.Asp478Val)

Gene: SOX5 (SRY-box transcription factor 5; minus strand). Cytogenetic location: 12p12.1.
Variant type: single nucleotide variant.
Coding change: c.1433A>T on transcript NM_006940.6 (MANE Select); coding-DNA position 1433, A replaced by T.
Protein change: p.Asp478Val; replaces aspartic acid 478 with valine.
Molecular consequence: missense variant. On other transcripts: intron variant (1).
Genome position (GRCh38, 1-based): chr12:23,563,313, T>A on the plus strand (A>T on the coding strand, the complement: SOX5 is on the minus strand). VCF-style: chr12-23563313-T-A. GRCh37 (hg19) VCF-style: chr12-23716247-T-A.
Other names: c.1403A>T, p.Asp468Val (NM_001261415.3); c.1328A>T, p.Asp443Val (NM_001330785.2); c.1394A>T, p.Asp465Val (NM_152989.5); c.275A>T, p.Asp92Val (NM_178010.4); c.1126-16889A>T (NM_001261414.3); short protein forms D443V, D465V, D468V, D478V, D92V.
Identifiers: ClinVar variation 2629609 (VCV002629609.1), dbSNP rs2547996158, ClinGen allele CA384317051.

ClinVar aggregate classification (germline): Uncertain significance (1 of 4 stars; one submission).

Conditions:
SOX5-related disorder. Also called: SOX5-related condition.

Allele frequency attached by ClinVar (database versions not stated): gnomAD exomes below 0.00001.
gnomAD v4.1: 1 of 1,614,098 alleles (0.000062%); highest among the groups gnomAD compares: Non-Finnish European, 0.000085%; no homozygotes.

Submission:

PreventionGenetics, part of Exact Sciences
Classification: Uncertain significance for SOX5-related condition. Last evaluated: 2023-01-09. Review status: criteria provided, single submitter. Criteria: ACMG Guidelines, 2015. Collection method: clinical testing. Allele origin: germline.
Comment: The SOX5 c.1433A>T variant is predicted to result in the amino acid substitution p.Asp478Val. To our knowledge, this variant has not been reported in the literature or in a large population database, indicating this variant is rare. At this time, the clinical significance of this variant is uncertain due to the absence of conclusive functional and genetic evidence.